The following is an entry in ClinVar:

ClinVar aggregate classification (germline): Uncertain significance (1 of 4 stars; one submission).

Conditions:
PHGDH deficiency. Identifiers: Orphanet 79351, MedGen C1866174, MONDO:0011152, OMIM 601815.

Allele frequency attached by ClinVar (database versions not stated): TOPMed below 0.00001; ExAC 0.00010.
gnomAD v4.1: 20 of 1,613,152 alleles (0.0012%); highest among the groups gnomAD compares: East Asian, 0.0022%; no homozygotes.

Submission:

Labcorp Genetics (formerly Invitae), Labcorp
Classification: Uncertain significance for PHGDH deficiency. Last evaluated: 2022-07-12. Review status: criteria provided, single submitter. Criteria: Invitae Variant Classification Sherloc (09022015). Collection method: clinical testing. Allele origin: germline.
Comment: This sequence change replaces glycine, which is neutral and non-polar, with glutamic acid, which is acidic and polar, at codon 414 of the PHGDH protein (p.Gly414Glu). This variant is present in population databases (rs778237068, gnomAD 0.009%). This variant has not been reported in the literature in individuals affected with PHGDH-related conditions. Algorithms developed to predict the effect of missense changes on protein structure and function output the following: SIFT: "Tolerated"; PolyPhen-2: "Benign"; Align-GVGD: "Class C0". The glutamic acid amino acid residue is found in multiple mammalian species, which suggests that this missense change does not adversely affect protein function. In summary, the available evidence is currently insufficient to determine the role of this variant in disease. Therefore, it has been classified as a Variant of Uncertain Significance.

NM_006623.4(PHGDH):c.1241G>A (p.Gly414Glu)

Gene: PHGDH (phosphoglycerate dehydrogenase; plus strand). Cytogenetic location: 1p12.
Variant type: single nucleotide variant.
Coding change: c.1241G>A on transcript NM_006623.4 (MANE Select); coding-DNA position 1241, G replaced by A.
Protein change: p.Gly414Glu; replaces glycine 414 with glutamic acid.
Molecular consequence: missense variant.
Genome position (GRCh38, 1-based): chr1:119,742,838, G>A. VCF-style: chr1-119742838-G-A. GRCh37 (hg19) VCF-style: chr1-120285461-G-A.
Other names: short protein forms G414E.
Identifiers: ClinVar variation 2162359 (VCV002162359.1), dbSNP rs778237068, ClinGen allele CA1037421.